The following is an entry in ClinVar:

ClinVar aggregate classification (germline): Benign (0 of 4 stars; one submission).

Conditions:
TAOK1-related disorder. Also called: TAOK1-related condition.

Submission:

PreventionGenetics, part of Exact Sciences
Classification: Benign for TAOK1-related condition. Last evaluated: 2019-10-29. Review status: no assertion criteria provided. Collection method: clinical testing. Allele origin: germline.
Comment: This variant is classified as benign based on ACMG/AMP sequence variant interpretation guidelines (Richards et al. 2015 PMID: 25741868, with internal and published modifications).

NM_020791.4(TAOK1):c.1204-6del

Gene: TAOK1 (TAO kinase 1; plus strand). Cytogenetic location: 17q11.2.
Variant type: Deletion.
Coding change: c.1204-6del on transcript NM_020791.4 (MANE Select); 6 bases into the intron before coding-DNA position 1204, one base deleted (T; older notation c.1204-6delT).
Molecular consequence: intron variant.
Genome position (GRCh38, 1-based): chr17:29,502,583, T deleted; the last of 13 consecutive T bases (chr17:29,502,571-29,502,583); deleting any one gives the same sequence. VCF-style (leftmost placement, unchanged base first): chr17-29502570-CT-C. GRCh37 (hg19) VCF-style: chr17-27829588-CT-C.
Other names: c.1204-6del (NM_025142.1).
Identifiers: ClinVar variation 3059680 (VCV003059680.2), dbSNP rs367720840, ClinGen allele CA8474621.